The following is an entry in ClinVar:

ClinVar aggregate classification (germline): Conflicting classifications of pathogenicity. Review status: criteria provided, conflicting classifications (1 of 4 stars). 3 submissions from 3 submitters: Uncertain significance (2); Likely benign (1). Last evaluated 2023-06-01.

Conditions:
Hereditary cancer-predisposing syndrome. Also called: Tumor predisposition; Hereditary Cancer Syndrome; Hereditary neoplastic syndrome; Neoplastic Syndromes, Hereditary. Identifiers: Orphanet 140162, MedGen C0027672, MeSH D009386, MONDO:0015356.
Hereditary breast ovarian cancer syndrome. Also called: Hereditary breast and ovarian cancer; Hereditary breast and/or ovarian cancer syndrome; BRCA1- and BRCA2-Associated Hereditary Breast and Ovarian Cancer; Hereditary breast and ovarian cancer syndrome; Hereditary breast and ovarian cancer syndrome (HBOC); Breast and ovarian cancer. Identifiers: Orphanet 145, MedGen C0677776, MeSH D061325, MONDO:0003582. Disease mechanism: loss of function.

Allele frequency attached by ClinVar (database versions not stated): gnomAD exomes below 0.00001; ExAC 0.00001.

Submissions (3):

Ambry Genetics
Classification: Uncertain significance for Hereditary cancer-predisposing syndrome. Last evaluated: 2023-06-01. Review status: criteria provided, single submitter. Criteria: Ambry Variant Classification Scheme 2023. Collection method: clinical testing. Allele origin: germline.
Comment: The p.M1373V variant (also known as c.4117A>G), located in coding exon 10 of the BRCA2 gene, results from an A to G substitution at nucleotide position 4117. The methionine at codon 1373 is replaced by valine, an amino acid with highly similar properties. This amino acid position is not well conserved in available vertebrate species. In addition, this alteration is predicted to be tolerated by in silico analysis. Since supporting evidence is limited at this time, the clinical significance of this alteration remains unclear.

University of Washington Department of Laboratory Medicine, University of Washington
Classification: Likely benign for Hereditary cancer-predisposing syndrome. Last evaluated: 2023-03-23. Review status: criteria provided, single submitter. Criteria: Dines et al. (Genet Med. 2020). Collection method: curation. Allele origin: germline.
Comment: Missense variant in a coldspot region where missense variants are very unlikely to be pathogenic (PMID:31911673).

BRCA2 exon 11 coldspot. Reclassification based on statistical prior probability.

Labcorp Genetics (formerly Invitae), Labcorp
Classification: Uncertain significance for Hereditary breast ovarian cancer syndrome. Last evaluated: 2022-09-26. Review status: criteria provided, single submitter. Criteria: Invitae Variant Classification Sherloc (09022015). Collection method: clinical testing. Allele origin: germline.
Comment: In summary, the available evidence is currently insufficient to determine the role of this variant in disease. Therefore, it has been classified as a Variant of Uncertain Significance. Advanced modeling of protein sequence and biophysical properties (such as structural, functional, and spatial information, amino acid conservation, physicochemical variation, residue mobility, and thermodynamic stability) performed at Invitae indicates that this missense variant is not expected to disrupt BRCA2 protein function. This sequence change replaces methionine, which is neutral and non-polar, with valine, which is neutral and non-polar, at codon 1373 of the BRCA2 protein (p.Met1373Val). This variant is present in population databases (rs781119815, gnomAD 0.003%). This variant has not been reported in the literature in individuals affected with BRCA2-related conditions. ClinVar contains an entry for this variant (Variation ID: 409499).

NM_000059.4(BRCA2):c.4117A>G (p.Met1373Val)

Gene: BRCA2 (BRCA2 DNA repair associated; plus strand). Cytogenetic location: 13q13.1.
Variant type: single nucleotide variant.
Coding change: c.4117A>G on transcript NM_000059.4 (MANE Select); coding-DNA position 4117, A replaced by G.
Protein change: p.Met1373Val; replaces methionine 1373 with valine.
Molecular consequence: missense variant.
Genome position (GRCh38, 1-based): chr13:32,338,472, A>G. VCF-style: chr13-32338472-A-G. GRCh37 (hg19) VCF-style: chr13-32912609-A-G.
Other names: short protein forms M1373V.
Identifiers: ClinVar variation 409499 (VCV000409499.12), dbSNP rs781119815, ClinGen allele CA6940749.
Genomic context (GRCh38, chr13:32,338,472, plus strand): 5'-GAAACGGACTTGCTATTTACTGATCAGCACAACATATGTCTTAAATTATCTGGCCAGTTT[A>G]TGAAGGAGGGAAACACTCAGATTAAAGAAGATTTGTCAGATTTAACTTTTTTGGAAGTTG-3'
Protein context (NP_000050.3, residues 1363-1383): NICLKLSGQF[Met1373Val]KEGNTQIKED